The following is an entry in ClinVar:

NM_173086.5(KRT6C):c.181_183delinsTTA (p.Leu61=)

Gene: KRT6C (keratin 6C; minus strand). Cytogenetic location: 12q13.13.
Variant type: Indel.
Coding change: c.181_183delinsTTA on transcript NM_173086.5 (MANE Select); coding-DNA positions 181 to 183, CTG replaced by TTA.
Protein change: p.Leu61=; no amino-acid change (leucine 61 retained).
Molecular consequence: synonymous variant.
Genome position (GRCh38, 1-based): chr12:52,473,555-52,473,557, CAG replaced by TAA on the plus strand (CTG replaced by TTA on the coding strand, the reverse complement: KRT6C is on the minus strand). VCF-style: chr12-52473555-CAG-TAA. GRCh37 (hg19) VCF-style: chr12-52867339-CAG-TAA.
Identifiers: ClinVar variation 4823817 (VCV004823817.4).

ClinVar aggregate classification (germline): Likely benign (1 of 4 stars; one submission).

Submission:

CeGaT Center for Human Genetics Tuebingen
Classification: Likely benign. Last evaluated: 2026-03-01. Review status: criteria provided, single submitter. Criteria: CeGaT Center For Human Genetics Tuebingen Variant Classification Criteria Version 2. Collection method: clinical testing. Allele origin: germline. Affected: yes. Observed: 1 variant allele.
Comment: KRT6C: BP4, BP7